The following is an entry in ClinVar:

NM_015335.5(MED13L):c.4247G>A (p.Arg1416His)

Gene: MED13L (mediator complex subunit 13L; minus strand). Cytogenetic location: 12q24.21.
Variant type: single nucleotide variant.
Coding change: c.4247G>A on transcript NM_015335.5 (MANE Select); coding-DNA position 4247, G replaced by A.
Protein change: p.Arg1416His; replaces arginine 1416 with histidine.
Molecular consequence: missense variant.
Genome position (GRCh38, 1-based): chr12:115,986,357, C>T on the plus strand (G>A on the coding strand, the complement: MED13L is on the minus strand). VCF-style: chr12-115986357-C-T. GRCh37 (hg19) VCF-style: chr12-116424162-C-T.
Other names: c.4247G>A (NM_015335.4); short protein forms R1416H.
Identifiers: ClinVar variation 2707529 (VCV002707529.4), dbSNP rs1221429561, ClinGen allele CA386884522.

ClinVar aggregate classification (germline): Uncertain significance. Review status: criteria provided, multiple submitters, no conflicts (2 of 4 stars). 2 submissions from 2 submitters: Uncertain significance (2). Last evaluated 2025-07-30.

Conditions:
Dextro-looped transposition of the great arteries. Also called: Dextrotransposition of the great arteries. Identifiers: Orphanet 860, MedGen C3531771, MONDO:0019443, OMIM 608808, HP:0031348.

Allele frequency attached by ClinVar (database versions not stated): TOPMed below 0.00001; gnomAD 0.00001; gnomAD exomes 0.00001.
gnomAD v4.1: 10 of 1,614,036 alleles (0.00062%); highest among the groups gnomAD compares: South Asian, 0.0044%; no homozygotes.

Submissions (2):

GeneDx
Classification: Uncertain significance. Last evaluated: 2025-07-30. Review status: criteria provided, single submitter. Criteria: GeneDx Variant Classification Process June 2021. Collection method: clinical testing. Allele origin: germline. Affected: yes.
Comment: In silico analysis supports that this missense variant has a deleterious effect on protein structure/function; This variant is associated with the following publications: (PMID: 21937992)

Labcorp Genetics (formerly Invitae), Labcorp
Classification: Uncertain significance for Dextro-looped transposition of the great arteries. Last evaluated: 2022-11-01. Review status: criteria provided, single submitter. Criteria: Invitae Variant Classification Sherloc (09022015). Collection method: clinical testing. Allele origin: germline.
Comment: This sequence change replaces arginine, which is basic and polar, with histidine, which is basic and polar, at codon 1416 of the MED13L protein (p.Arg1416His). This variant is present in population databases (no rsID available, gnomAD 0.0009%). This missense change has been observed in individual(s) with intellectual disability (PMID: 21937992). Advanced modeling of protein sequence and biophysical properties (such as structural, functional, and spatial information, amino acid conservation, physicochemical variation, residue mobility, and thermodynamic stability) performed at Invitae indicates that this missense variant is expected to disrupt MED13L protein function. In summary, the available evidence is currently insufficient to determine the role of this variant in disease. Therefore, it has been classified as a Variant of Uncertain Significance.

Literature cited by the submitters: PubMed 21937992 (cited by Labcorp Genetics (formerly Invitae), Labcorp).